The following is an entry in ClinVar:

ClinVar aggregate classification (germline): Benign (1 of 4 stars; one submission).

gnomAD v4.1: 4,415 of 1,580,072 alleles (0.28%); highest among the groups gnomAD compares: Non-Finnish European, 0.34%; 7 homozygotes.

Submission:

CeGaT Center for Human Genetics Tuebingen
Classification: Benign. Last evaluated: 2026-07-01. Review status: criteria provided, single submitter. Criteria: CeGaT Center For Human Genetics Tuebingen Variant Classification Criteria Version 2. Collection method: clinical testing. Allele origin: germline. Affected: yes. Observed: 1 variant allele.
Comment: LACTB: BS1, BS2

NM_032857.5(LACTB):c.955A>T (p.Ser319Cys)

Gene: LACTB (lactamase beta; plus strand). Cytogenetic location: 15q22.2.
Variant type: single nucleotide variant.
Coding change: c.955A>T on transcript NM_032857.5 (MANE Select); coding-DNA position 955, A replaced by T.
Protein change: p.Ser319Cys; replaces serine 319 with cysteine.
Molecular consequence: missense variant. On other transcripts: splice acceptor variant (1).
Genome position (GRCh38, 1-based): chr15:63,129,487, A>T. VCF-style: chr15-63129487-A-T. GRCh37 (hg19) VCF-style: chr15-63421686-A-T.
Other names: c.955A>T, p.Ser319Cys (NM_171846.4); c.953-2A>T (NM_001288585.2); short protein forms S319C.
Identifiers: ClinVar variation 5038583 (VCV005038583.1).